The following is an entry in ClinVar:

ClinVar aggregate classification (germline): Uncertain significance. Review status: criteria provided, multiple submitters, no conflicts (2 of 4 stars). 2 submissions from 2 submitters: Uncertain significance (2). Last evaluated 2024-11-19.

Conditions:
Inborn genetic diseases. Identifiers: MedGen C0950123, MeSH D030342.

Allele frequency attached by ClinVar (database versions not stated): ExAC 0.00002; TOPMed 0.00003; gnomAD exomes below 0.00001; gnomAD 0.00005.
gnomAD v4.1: 11 of 1,614,138 alleles (0.00068%); highest among the groups gnomAD compares: African/African-American, 0.013%; no homozygotes.

Submissions (2):

GeneDx
Classification: Uncertain significance. Last evaluated: 2024-11-19. Review status: criteria provided, single submitter. Criteria: GeneDx Variant Classification Process June 2021. Collection method: clinical testing. Allele origin: germline. Affected: yes.
Comment: In silico analysis supports that this missense variant has a deleterious effect on protein structure/function; Has not been previously published as pathogenic or benign to our knowledge

Ambry Genetics
Classification: Uncertain significance for Inborn genetic diseases. Last evaluated: 2023-07-26. Review status: criteria provided, single submitter. Criteria: Ambry Variant Classification Scheme 2023. Collection method: clinical testing. Allele origin: germline.

NM_021619.3(PRDM12):c.425A>G (p.Glu142Gly)

Gene: PRDM12 (PR/SET domain 12; plus strand). Cytogenetic location: 9q34.12.
Variant type: single nucleotide variant.
Coding change: c.425A>G on transcript NM_021619.3 (MANE Select); coding-DNA position 425, A replaced by G.
Protein change: p.Glu142Gly; replaces glutamic acid 142 with glycine.
Molecular consequence: missense variant.
Genome position (GRCh38, 1-based): chr9:130,668,168, A>G. VCF-style: chr9-130668168-A-G. GRCh37 (hg19) VCF-style: chr9-133543555-A-G.
Other names: short protein forms E142G.
Identifiers: ClinVar variation 2614523 (VCV002614523.3), dbSNP rs148215906, ClinGen allele CA5284535.